The following is an entry in ClinVar:

NM_005263.5(GFI1):c.266del (p.Phe89fs)

Gene: GFI1 (growth factor independent 1 transcriptional repressor; minus strand). Cytogenetic location: 1p22.1.
Variant type: Deletion.
Coding change: c.266del on transcript NM_005263.5 (MANE Select); coding-DNA position 266, one base deleted (T; older notation c.266delT).
Protein change: p.Phe89fs; shifts the reading frame from phenylalanine 89.
Molecular consequence: frameshift variant.
Genome position (GRCh38, 1-based): chr1:92,482,896, A deleted on the plus strand (T on the coding strand, the reverse complement: GFI1 is on the minus strand); the first of 2 consecutive A bases (chr1:92,482,896-92,482,897); deleting either gives the same sequence. VCF-style (leftmost placement, unchanged base first): chr1-92482895-GA-G. GRCh37 (hg19) VCF-style: chr1-92948452-GA-G.
Other names: c.266del, p.Phe89fs (NM_001127215.3, NM_001127216.3); short protein forms F89fs.
Identifiers: ClinVar variation 4714031 (VCV004714031.1).

ClinVar aggregate classification (germline): Uncertain significance (1 of 4 stars; one submission).

Conditions:
Neutropenia, severe congenital, 2, autosomal dominant. Identifiers: Orphanet 486, MedGen C2751288, MONDO:0013139, OMIM 613107.

Submission:

Labcorp Genetics (formerly Invitae), Labcorp
Classification: Uncertain significance for Neutropenia, severe congenital, 2, autosomal dominant. Last evaluated: 2025-02-27. Review status: criteria provided, single submitter. Criteria: Invitae Variant Classification Sherloc (09022015). Collection method: clinical testing. Allele origin: germline.
Comment: This sequence change creates a premature translational stop signal (p.Phe89Serfs*109) in the GFI1 gene. It is expected to result in an absent or disrupted protein product. However, the current clinical and genetic evidence is not sufficient to establish whether loss-of-function variants in GFI1 cause disease. This variant is not present in population databases (gnomAD no frequency). This variant has not been reported in the literature in individuals affected with GFI1-related conditions. In summary, the available evidence is currently insufficient to determine the role of this variant in disease. Therefore, it has been classified as a Variant of Uncertain Significance.